The following is an entry in ClinVar:

NM_001282874.2(SMARCA1):c.2354A>G (p.Asn785Ser)

Gene: SMARCA1 (SNF2 related chromatin remodeling ATPase 1; minus strand). Cytogenetic location: Xq25.
Variant type: single nucleotide variant.
Coding change: c.2354A>G on transcript NM_001282874.2 (MANE Select); coding-DNA position 2354, A replaced by G.
Protein change: p.Asn785Ser; replaces asparagine 785 with serine.
Molecular consequence: missense variant.
Genome position (GRCh38, 1-based): chrX:129,480,789, T>C on the plus strand (A>G on the coding strand, the complement: SMARCA1 is on the minus strand). VCF-style: chrX-129480789-T-C. GRCh37 (hg19) VCF-style: chrX-128614766-T-C.
Other names: c.2318A>G, p.Asn773Ser (NM_001282875.2, NM_001378262.1, NM_001378263.1 and 1 more transcripts); c.2354A>G, p.Asn785Ser (NM_001378261.1, NM_003069.5); short protein forms N773S, N785S.
Identifiers: ClinVar variation 998173 (VCV000998173.1), dbSNP rs1933619118, ClinGen allele CA414544604.

ClinVar aggregate classification (germline): Uncertain significance (1 of 4 stars; one submission).

Allele frequency attached by ClinVar (database versions not stated): gnomAD exomes below 0.00001.

Submission:

HudsonAlpha Institute for Biotechnology
Classification: Uncertain significance. Last evaluated: 2021-02-19. Review status: criteria provided, single submitter. Criteria: ACMG Guidelines, 2015. Collection method: research. Allele origin: maternal. Observed: 1 variant allele. Study: CSER-SouthSeq.
Comment: ACMG codes:PM2